The following is an entry in ClinVar:

ClinVar aggregate classification (germline): Uncertain significance. Review status: criteria provided, multiple submitters, no conflicts (2 of 4 stars). 2 submissions from 2 submitters: Uncertain significance (2). Last evaluated 2024-04-22.

Conditions:
Inborn genetic diseases. Identifiers: MedGen C0950123, MeSH D030342.

Allele frequency attached by ClinVar (database versions not stated): gnomAD exomes below 0.00001; ExAC 0.00001; gnomAD 0.00001; TOPMed 0.00001; ESP Exome Variant Server 0.00008.

Submissions (2):

Ambry Genetics
Classification: Uncertain significance for Inborn genetic diseases. Last evaluated: 2024-04-22. Review status: criteria provided, single submitter. Criteria: Ambry Variant Classification Scheme 2023. Collection method: clinical testing. Allele origin: germline.

Labcorp Genetics (formerly Invitae), Labcorp
Classification: Uncertain significance. Last evaluated: 2023-07-03. Review status: criteria provided, single submitter. Criteria: Invitae Variant Classification Sherloc (09022015). Collection method: clinical testing. Allele origin: germline.
Comment: This sequence change replaces aspartic acid, which is acidic and polar, with glycine, which is neutral and non-polar, at codon 43 of the PRPF3 protein (p.Asp43Gly). This variant is present in population databases (rs375882146, gnomAD 0.0009%). This variant has not been reported in the literature in individuals affected with PRPF3-related conditions. ClinVar contains an entry for this variant (Variation ID: 839137). An algorithm developed to predict the effect of missense changes on protein structure and function (PolyPhen-2) suggests that this variant is likely to be disruptive. In summary, the available evidence is currently insufficient to determine the role of this variant in disease. Therefore, it has been classified as a Variant of Uncertain Significance.

NM_004698.4(PRPF3):c.128A>G (p.Asp43Gly)

Gene: PRPF3 (pre-mRNA processing factor 3; plus strand). Cytogenetic location: 1q21.2.
Variant type: single nucleotide variant.
Coding change: c.128A>G on transcript NM_004698.4 (MANE Select); coding-DNA position 128, A replaced by G.
Protein change: p.Asp43Gly; replaces aspartic acid 43 with glycine.
Molecular consequence: missense variant. On other transcripts: 5 prime UTR variant (1), non-coding transcript variant (4).
Genome position (GRCh38, 1-based): chr1:150,325,070, A>G. VCF-style: chr1-150325070-A-G. GRCh37 (hg19) VCF-style: chr1-150297528-A-G.
Other names: c.-374A>G (NM_001350529.1); short protein forms D43G.
Identifiers: ClinVar variation 839137 (VCV000839137.10), dbSNP rs375882146, ClinGen allele CA1075363.